The following is an entry in ClinVar:

NM_001012339.3(DNAJC21):c.439-32_497del

Gene: DNAJC21 (DnaJ heat shock protein family (Hsp40) member C21; plus strand). Cytogenetic location: 5p13.2.
Variant type: Deletion.
Coding change: c.439-32_497del on transcript NM_001012339.3 (MANE Select); 32 bases into the intron before coding-DNA position 439 through coding-DNA position 497, 91 bases deleted.
Molecular consequence: splice acceptor variant.
Genome position (GRCh38, 1-based): chr5:34,937,294-34,937,384, 91 bases deleted. GRCh37 (hg19): chr5:34,937,399-34,937,489.
Other names: c.439-32_497del (NM_001348420.2, NM_194283.4).
Identifiers: ClinVar variation 3645098 (VCV003645098.2).

ClinVar aggregate classification (germline): Likely pathogenic (1 of 4 stars; one submission).

Submission:

Labcorp Genetics (formerly Invitae), Labcorp
Classification: Likely pathogenic. Last evaluated: 2024-03-27. Review status: criteria provided, single submitter. Criteria: Invitae Variant Classification Sherloc (09022015). Collection method: clinical testing. Allele origin: germline.
Comment: This variant results in the deletion of part of exon 5 (c.439-32_497del) of the DNAJC21 gene. It is expected to disrupt RNA splicing. Variants that disrupt the donor or acceptor splice site typically lead to a loss of protein function (PMID: 16199547), and loss-of-function variants in DNAJC21 are known to be pathogenic (PMID: 27346687, 28062395). This variant is not present in population databases (gnomAD no frequency). This variant has not been reported in the literature in individuals affected with DNAJC21-related conditions. In summary, the currently available evidence indicates that the variant is pathogenic, but additional data are needed to prove that conclusively. Therefore, this variant has been classified as Likely Pathogenic.

Literature cited by the submitters: PubMed 16199547; PubMed 27346687; PubMed 28062395.